The following is an entry in ClinVar:

ClinVar aggregate classification (germline): Likely benign. Review status: criteria provided, multiple submitters, no conflicts (2 of 4 stars). 3 submissions from 3 submitters: Likely benign (3). Last evaluated 2024-03-01.

Conditions:
Cardiovascular phenotype. Identifiers: MedGen CN230736.
Catecholaminergic polymorphic ventricular tachycardia (CVPT). Also called: Catecholamine-induced polymorphic ventricular tachycardia. Identifiers: Orphanet 3286, MedGen C5574922, MONDO:0017990.
Catecholaminergic polymorphic ventricular tachycardia 1. Also called: VENTRICULAR TACHYCARDIA, STRESS-INDUCED POLYMORPHIC 1; VENTRICULAR TACHYCARDIA, CATECHOLAMINERGIC POLYMORPHIC, 1, WITH OR WITHOUT ATRIAL DYSFUNCTION AND/OR DILATED CARDIOMYOPATHY; RYR2-Related Catecholaminergic Polymorphic Ventricular Tachycardia. Identifiers: Orphanet 3286, MedGen C1631597, MONDO:0011484, OMIM 604772.

gnomAD v4.1: 2 of 1,613,674 alleles (0.00012%); highest among the groups gnomAD compares: Middle Eastern, 0.017%; no homozygotes.

Submissions (3):

Labcorp Genetics (formerly Invitae), Labcorp
Classification: Likely benign for Catecholaminergic polymorphic ventricular tachycardia 1. Last evaluated: 2024-03-01. Review status: criteria provided, single submitter. Criteria: Invitae Variant Classification Sherloc (09022015). Collection method: clinical testing. Allele origin: germline.

All of Us Research Program, National Institutes of Health
Classification: Likely benign for Catecholaminergic polymorphic ventricular tachycardia. Last evaluated: 2023-12-13. Review status: criteria provided, single submitter. Criteria: ACMG Guidelines, 2015. Collection method: clinical testing. Allele origin: germline. Inheritance: Autosomal dominant inheritance. Observed: 1 variant allele, 1 heterozygote.
Comment: This study involves interpretation of variants in research participants for the purpose of population health screening. Participant phenotype was not available at the time of variant classification. Additional details can be found in publication PMID: 35346344, PMCID: PMC8962531

Ambry Genetics
Classification: Likely benign for Cardiovascular phenotype. Last evaluated: 2020-08-11. Review status: criteria provided, single submitter. Criteria: Ambry Variant Classification Scheme 2023. Collection method: clinical testing. Allele origin: germline.

NM_001035.3(RYR2):c.10032C>G (p.Ala3344=)

Gene: RYR2 (ryanodine receptor 2; plus strand). Cytogenetic location: 1q43.
Variant type: single nucleotide variant.
Coding change: c.10032C>G on transcript NM_001035.3 (MANE Select); coding-DNA position 10032, C replaced by G.
Protein change: p.Ala3344=; no amino-acid change (alanine 3344 retained).
Molecular consequence: synonymous variant.
Genome position (GRCh38, 1-based): chr1:237,708,988, C>G. VCF-style: chr1-237708988-C-G. GRCh37 (hg19) VCF-style: chr1-237872288-C-G.
Identifiers: ClinVar variation 1597205 (VCV001597205.12), dbSNP rs2149067070, ClinGen allele CA424032002.
Genomic context (GRCh38, chr1:237,708,988, plus strand): 5'-GAAACTCAAGAAAAAGGCAGCTACGGTGGTGTCTGAGGAAGACCACCTGAAAGCTGAGGC[C>G]AGGGGGGACATGTCGGAGGCAGAACTCCTCATCCTAGATGAGTTCACCACACTGGCCAGA-3'
Protein context (NP_001026.2, residues 3334-3354): VSEEDHLKAE[Ala3344=]RGDMSEAELL